The following is an entry in ClinVar:

ClinVar aggregate classification (germline): Likely benign (1 of 4 stars; one submission).

Allele frequency attached by ClinVar (database versions not stated): TOPMed 0.00298; ESP Exome Variant Server 0.00323; gnomAD exomes 0.00097; 1000 Genomes Project 0.00120; 1000 Genomes Project 30x 0.00141; ExAC 0.00215; gnomAD 0.00252.
gnomAD v4.1: 1,911 of 1,599,610 alleles (0.12%); highest among the groups gnomAD compares: Middle Eastern, 0.79%; 4 homozygotes.

Submission:

CeGaT Center for Human Genetics Tuebingen
Classification: Likely benign. Last evaluated: 2023-01-01. Review status: criteria provided, single submitter. Criteria: CeGaT Center For Human Genetics Tuebingen Variant Classification Criteria Version 2. Collection method: clinical testing. Allele origin: germline. Affected: yes. Observed: 2 variant alleles.
Comment: NTN4: BP4, BP7

NM_021229.4(NTN4):c.1182G>A (p.Pro394=)

Gene: NTN4 (netrin 4; minus strand). Cytogenetic location: 12q22.
Variant type: single nucleotide variant.
Coding change: c.1182G>A on transcript NM_021229.4 (MANE Select); coding-DNA position 1182, G replaced by A.
Protein change: p.Pro394=; no amino-acid change (proline 394 retained).
Molecular consequence: synonymous variant.
Genome position (GRCh38, 1-based): chr12:95,683,710, C>T on the plus strand (G>A on the coding strand, the complement: NTN4 is on the minus strand). VCF-style: chr12-95683710-C-T. GRCh37 (hg19) VCF-style: chr12-96077486-C-T.
Other names: c.1182G>A, p.Pro394= (NM_001329700.2); c.1071G>A, p.Pro357= (NM_001329701.2, NM_001329702.2).
Identifiers: ClinVar variation 2643221 (VCV002643221.24), dbSNP rs148907075, ClinGen allele CA6725944.
Genomic context (GRCh38, chr12:95,683,710, plus strand): 5'-GTCGCAGAAGGTCACTGAGTTGGCAGGAAGGACAGCTGATCCTACTGGATGGCAGGAACA[C>T]GCTACAACAGAGAGGACACGCAAGGATCAAAGACTGACTGTAGATCACCCGTGTGAACAT-3'
Protein context (NP_067052.2, residues 384-404): RPFSAPDACK[Pro394=]CSCHPVGSAV